The following is an entry in ClinVar:

ClinVar aggregate classification (germline): Conflicting classifications of pathogenicity. Review status: criteria provided, conflicting classifications (1 of 4 stars). 2 submissions from 2 submitters: Uncertain significance (1); Likely benign (1). Last evaluated 2023-12-03.

Conditions:
Episodic ataxia type 2 (EA2). Also called: ATAXIA, EPISODIC, WITH NYSTAGMUS; ATAXIA, FAMILIAL PAROXYSMAL; CEREBELLAR ATAXIA, PAROXYSMAL, ACETAZOLAMIDE-RESPONSIVE; CEREBELLOPATHY, HEREDITARY PAROXYSMAL; ACETAZOLAMIDE-RESPONSIVE HEREDITARY PAROXYSMAL CEREBELLAR ATAXIA; EPISODIC ATAXIA, NYSTAGMUS-ASSOCIATED. Identifiers: Orphanet 97, MedGen C1720416, MONDO:0007163, OMIM 108500.
Developmental and epileptic encephalopathy, 42 (DEE42A). Also called: Epileptic encephalopathy, early infantile, 42; DEVELOPMENTAL AND EPILEPTIC ENCEPHALOPATHY 42A; EPILEPTIC ENCEPHALOPATHY, EARLY INFANTILE, 42A. Identifiers: MedGen C4310716, MONDO:0014917, OMIM 617106.

Allele frequency attached by ClinVar (database versions not stated): gnomAD exomes below 0.00001; TOPMed below 0.00001; gnomAD 0.00001.
gnomAD v4.1: 4 of 1,613,576 alleles (0.00025%); highest among the groups gnomAD compares: Non-Finnish European, 0.00034%; no homozygotes.

Submissions (2):

Labcorp Genetics (formerly Invitae), Labcorp
Classification: Likely benign for Developmental and epileptic encephalopathy, 42; Episodic ataxia type 2. Last evaluated: 2023-12-03. Review status: criteria provided, single submitter. Criteria: Invitae Variant Classification Sherloc (09022015). Collection method: clinical testing. Allele origin: germline.

GeneDx
Classification: Uncertain significance. Last evaluated: 2017-10-03. Review status: criteria provided, single submitter. Criteria: GeneDx Variant Classification (06012015). Collection method: clinical testing. Allele origin: germline. Affected: yes.
Comment: The c.4050 G>T variant has not been published as a pathogenic variant, nor has it been reported as a benign variant to our knowledge. The c.4050 G>T variant is not observed in large population cohorts (Lek et al., 2016). This variant results in a synonymous amino acid substitution at a position that is conserved through mammals. Multiple in-silico splice prediction models predict this variant would not alter gene splicing; however, in the absence of RNA/functional studies, the actual effect of this sequence change in this individual is unknown.

NM_001127222.2(CACNA1A):c.4047G>T (p.Val1349=)

Gene: CACNA1A (calcium voltage-gated channel subunit alpha1 A; minus strand). Cytogenetic location: 19p13.13.
Variant type: single nucleotide variant.
Coding change: c.4047G>T on transcript NM_001127222.2 (MANE Select); coding-DNA position 4047, G replaced by T.
Protein change: p.Val1349=; no amino-acid change (valine 1349 retained).
Molecular consequence: synonymous variant.
Genome position (GRCh38, 1-based): chr19:13,262,776, C>A on the plus strand (G>T on the coding strand, the complement: CACNA1A is on the minus strand). VCF-style: chr19-13262776-C-A. GRCh37 (hg19) VCF-style: chr19-13373590-C-A.
Other names: c.4059G>T, p.Val1353= (NM_000068.4, NM_023035.3); c.4050G>T, p.Val1350= (NM_001127221.2, NM_001174080.2).
Identifiers: ClinVar variation 452444 (VCV000452444.5), dbSNP rs1265632174, ClinGen allele CA505660157.